The following is an entry in ClinVar:

ClinVar aggregate classification (germline): Uncertain significance. Review status: criteria provided, multiple submitters, no conflicts (2 of 4 stars). 2 submissions from 2 submitters: Uncertain significance (2). Last evaluated 2025-04-17.

Conditions:
Familial thoracic aortic aneurysm and aortic dissection (TAAD). Also called: Thoracic aortic aneurysms and dissections. Identifiers: Orphanet 91387, MedGen C4707243, MONDO:0019625.

gnomAD v4.1: 6 of 1,613,134 alleles (0.00037%); highest among the groups gnomAD compares: East Asian, 0.0067%; no homozygotes.

Submissions (2):

Color Diagnostics, LLC DBA Color Health
Classification: Uncertain significance for Familial thoracic aortic aneurysm and aortic dissection. Last evaluated: 2025-04-17. Review status: criteria provided, single submitter. Criteria: ACMG Guidelines, 2015. Collection method: clinical testing. Allele origin: germline.
Comment: This missense variant replaces arginine with tryptophan at codon 1906 of the FBN1 protein. Computational prediction tool is inconclusive regarding the impact of this variant on protein structure and function. To our knowledge, functional studies have not been reported for this variant. This variant has not been reported in individuals affected with FBN1-related disorders in the literature. This variant has been identified in 1/250984 chromosomes in the general population by the Genome Aggregation Database (gnomAD). The available evidence is insufficient to determine the role of this variant in disease conclusively. Therefore, this variant is classified as a Variant of Uncertain Significance.

GeneDx
Classification: Uncertain significance. Last evaluated: 2025-03-21. Review status: criteria provided, single submitter. Criteria: GeneDx Variant Classification Process June 2021. Collection method: clinical testing. Allele origin: germline. Affected: yes.
Comment: Identified in a patient with systemic scleroderma, but other genetic causes of scleroderma were not ruled out (PMID: 12384286); Not observed at significant frequency in large population cohorts (gnomAD); In silico analysis supports that this missense variant has a deleterious effect on protein structure/function; Does not affect a cysteine or calcium-binding residue within an EGF-like domain or a TGF-binding protein domain of the FBN1 gene; cysteine substitutions in the EGF-like domains represent the majority of pathogenic missense changes associated with FBN1-related disorders (PMID: 12938084); This variant is associated with the following publications: (PMID: 12938084, 12384286)

NM_000138.5(FBN1):c.5716C>T (p.Arg1906Trp)

Gene: FBN1 (fibrillin 1; minus strand). Cytogenetic location: 15q21.1.
Variant type: single nucleotide variant.
Coding change: c.5716C>T on transcript NM_000138.5 (MANE Select); coding-DNA position 5716, C replaced by T.
Protein change: p.Arg1906Trp; replaces arginine 1906 with tryptophan.
Molecular consequence: missense variant.
Genome position (GRCh38, 1-based): chr15:48,446,778, G>A on the plus strand (C>T on the coding strand, the complement: FBN1 is on the minus strand). VCF-style: chr15-48446778-G-A. GRCh37 (hg19) VCF-style: chr15-48738975-G-A.
Other names: c.5716C>T, p.Arg1906Trp (NM_001406716.1); short protein forms R1906W.
Identifiers: ClinVar variation 4086463 (VCV004086463.2).
Genomic context (GRCh38, chr15:48,446,778, plus strand): 5'-TGTTGTGAGAAAGGATGAAACCATGATTGCAGCGGCAGTTGAAGGAACCAATTGTGTTCC[G>A]GCAAGTTCCATTCCCACAGGCATCTCTTTCACATTCATTTATGTCTAGTAGGAAGAAAGG-3'
Protein context (NP_000129.3, residues 1896-1916): ERDACGNGTC[Arg1906Trp]NTIGSFNCRC